The following is an entry in ClinVar:

NM_002335.4(LRP5):c.1199C>T (p.Ala400Val)

Gene: LRP5 (LDL receptor related protein 5; plus strand). Cytogenetic location: 11q13.2.
Variant type: single nucleotide variant.
Coding change: c.1199C>T on transcript NM_002335.4 (MANE Select); coding-DNA position 1199, C replaced by T.
Protein change: p.Ala400Val; replaces alanine 400 with valine.
Molecular consequence: missense variant. On other transcripts: 5 prime UTR variant (1).
Genome position (GRCh38, 1-based): chr11:68,386,499, C>T. VCF-style: chr11-68386499-C-T. GRCh37 (hg19) VCF-style: chr11-68153967-C-T.
Other names: c.-567C>T (NM_001291902.2); short protein forms A400V.
Identifiers: ClinVar variation 520692 (VCV000520692.22), dbSNP rs201320326, ClinGen allele CA6149267.

ClinVar aggregate classification (germline): Uncertain significance. Review status: criteria provided, multiple submitters, no conflicts (2 of 4 stars). 8 submissions from 8 submitters: Uncertain significance (8). Last evaluated 2025-10-18.

Conditions:
Bone mineral density quantitative trait locus 1 (BMND1). Identifiers: MedGen C1866079, OMIM 601884.
Osteoporosis with pseudoglioma (OPPG). Also called: osteoporosis-pseudoglioma syndrome. Identifiers: Orphanet 2788, MedGen C0432252, MONDO:0009820, OMIM 259770.
Autosomal dominant osteopetrosis 1 (OPTA1). Also called: OSTEOPETROSIS, AUTOSOMAL DOMINANT, TYPE I. Identifiers: Orphanet 2783, MedGen C1843330, MONDO:0011877, OMIM 607634.
Worth disease. Also called: ENDOSTEAL HYPEROSTOSIS, AUTOSOMAL DOMINANT; OSTEOSCLEROSIS, AUTOSOMAL DOMINANT; Autosomal dominant osteosclerosis, Worth type. Identifiers: Orphanet 2790, MedGen C0432273, MONDO:0007764, OMIM 144750.
Exudative vitreoretinopathy 4 (EVR4). Identifiers: Orphanet 891, MedGen C1866176, MONDO:0011151, OMIM 601813.
Polycystic liver disease 4 with or without kidney cysts. Identifiers: MedGen C4693479, MONDO:0044327, OMIM 617875.
Exudative vitreoretinopathy 1 (EVR1). Also called: FEVR, AUTOSOMAL DOMINANT; Familial exudative vitreoretinopathy, autosomal dominant; CRISWICK-SCHEPENS SYNDROME. Identifiers: Orphanet 891, Orphanet 90050, MedGen C1851402, MONDO:0007589, OMIM 133780.
Osteoporosis. Identifiers: MedGen C0029456, MONDO:0005298, OMIM 166710, HP:0000939.
LRP5-related disorder. Also called: LRP5-related condition.
Inborn genetic diseases. Identifiers: MedGen C0950123, MeSH D030342.

Allele frequency attached by ClinVar (database versions not stated): gnomAD 0.00014; ESP Exome Variant Server 0.00015; 1000 Genomes Project 0.00020; gnomAD exomes 0.00022; TOPMed 0.00022; ExAC 0.00030; 1000 Genomes Project 30x 0.00047.
gnomAD v4.1: 444 of 1,614,080 alleles (0.028%); highest among the groups gnomAD compares: Non-Finnish European, 0.034%; no homozygotes.

Submissions (8):

Labcorp Genetics (formerly Invitae), Labcorp
Classification: Uncertain significance. Last evaluated: 2025-10-18. Review status: criteria provided, single submitter. Criteria: Invitae Variant Classification Sherloc (09022015). Collection method: clinical testing. Allele origin: germline.
Comment: This sequence change replaces alanine, which is neutral and non-polar, with valine, which is neutral and non-polar, at codon 400 of the LRP5 protein (p.Ala400Val). This variant is present in population databases (rs201320326, gnomAD 0.04%). This missense change has been observed in individual(s) with familial exudative vitreoretinopathy (PMID: 34860240). ClinVar contains an entry for this variant (Variation ID: 520692). Invitae Evidence Modeling of protein sequence and biophysical properties (such as structural, functional, and spatial information, amino acid conservation, physicochemical variation, residue mobility, and thermodynamic stability) has been performed for this missense variant. However, the output from this modeling did not meet the statistical confidence thresholds required to predict the impact of this variant on LRP5 protein function. This variant disrupts the p.Ala400 amino acid residue in LRP5. Other variant(s) that disrupt this residue have been determined to be pathogenic (PMID: 16252235, 25711638; internal data). This suggests that this residue is clinically significant, and that variants that disrupt this residue are likely to be disease-causing. In summary, the available evidence is currently insufficient to determine the role of this variant in disease. Therefore, it has been classified as a Variant of Uncertain Significance.

PreventionGenetics, part of Exact Sciences
Classification: Uncertain significance for LRP5-related condition. Last evaluated: 2025-10-16. Review status: criteria provided, single submitter. Criteria: ACMG Guidelines, 2015. Collection method: clinical testing. Allele origin: germline.
Comment: The LRP5 c.1199C>T variant is predicted to result in the amino acid substitution p.Ala400Val. This variant has been reported in an individual with familial exudative vitreoretinopathy (FEVR, Tao et al. 2021. PubMed ID: 34860240). A variant impacting the same amino acid position (c.1199C>A, p.Ala400Glu) has been reported in the heterozygous state in an individual with FEVR and in the compound heterozygous state in an individual with osteoporosis-pseudoglioma syndrome (Salvo et al. 2015. PubMed ID: 25711638; Ai et al. 2005. PubMed ID: 16252235). The c.1199C>T variant is reported in 0.035% of alleles in individuals of European (Non-Finnish) descent in gnomAD. At this time, the clinical significance of this variant is uncertain due to the absence of conclusive functional and genetic evidence.

Women's Health and Genetics/Laboratory Corporation of America, LabCorp
Classification: Uncertain significance. Last evaluated: 2024-12-09. Review status: criteria provided, single submitter. Criteria: LabCorp Variant Classification Summary - May 2015. Collection method: clinical testing. Allele origin: germline.
Comment: Variant summary: LRP5 c.1199C>T (p.Ala400Val) results in a non-conservative amino acid change in the encoded protein sequence. Three of five in-silico tools predict a damaging effect of the variant on protein function. The variant allele was found at a frequency of 0.00022 in 251202 control chromosomes. The observed variant frequency is approximately 4 fold of the estimated maximal expected allele frequency for a pathogenic variant in LRP5 causing Familial Exudative Vitreoretinopathy phenotype (6.3e-05). However, this finding should be interpreted with caution due to the presence of an LRP5 pseudogene that contains exons 3-9 of the gene, a region that includes this variant. c.1199C>T has been reported in the literature in an individual affected with Familial Exudative Vitreoretinopathy, however, in this study it was also not specified whether they were capable of distinguishing between LRP5 and its pseudogene (Tao_2021). Thus, this report does not provide unequivocal conclusions about association of the variant with Familial Exudative Vitreoretinopathy. To our knowledge, no experimental evidence demonstrating an impact on protein function has been reported. The following publication has been ascertained in the context of this evaluation (PMID: 34860240). ClinVar contains an entry for this variant (Variation ID: 520692). Based on the evidence outlined above, the variant was classified as uncertain significance.

Blueprint Genetics
Classification: Uncertain significance. Last evaluated: 2024-09-25. Review status: criteria provided, single submitter. Criteria: ACMG Guidelines, 2015. Collection method: clinical testing. Allele origin: germline.

GeneDx
Classification: Uncertain significance. Last evaluated: 2023-01-12. Review status: criteria provided, single submitter. Criteria: GeneDx Variant Classification Process June 2021. Collection method: clinical testing. Allele origin: germline. Affected: yes.
Comment: In silico analysis supports that this missense variant has a deleterious effect on protein structure/function; This variant is associated with the following publications: (PMID: 34860240)

Fulgent Genetics
Classification: Uncertain significance for Exudative vitreoretinopathy 1; Worth disease; Osteoporosis; Osteoporosis with pseudoglioma; Exudative vitreoretinopathy 4; Bone mineral density quantitative trait locus 1; Autosomal dominant osteopetrosis 1; Polycystic liver disease 4 with or without kidney cysts. Last evaluated: 2022-02-11. Review status: criteria provided, single submitter. Criteria: ACMG Guidelines, 2015. Collection method: clinical testing. Allele origin: unknown.

Eurofins Ntd Llc (ga)
Classification: Uncertain significance. Last evaluated: 2018-05-02. Review status: criteria provided, single submitter. Criteria: EGL ClinVar v180209 classification definitions. Collection method: clinical testing. Allele origin: germline. Observed: 1 variant allele, 1 heterozygote.

Ambry Genetics
Classification: Uncertain significance for Inborn genetic diseases. Last evaluated: 2015-06-12. Review status: criteria provided, single submitter. Criteria: Ambry exome assertion method (8-5-2015). Collection method: clinical testing. Allele origin: germline. Affected: yes. Observed: 1 variant allele.

Literature cited by the submitters: PubMed 34860240 (cited by Labcorp Genetics (formerly Invitae), Labcorp and Women's Health and Genetics/Laboratory Corporation of America, LabCorp); PubMed 16252235 (cited by Labcorp Genetics (formerly Invitae), Labcorp); PubMed 25711638 (cited by Labcorp Genetics (formerly Invitae), Labcorp).